The following is an entry in ClinVar:

NM_000443.4(ABCB4):c.3280-1_3280delinsTT

Gene: ABCB4 (ATP binding cassette subfamily B member 4; minus strand). Cytogenetic location: 7q21.12.
Variant type: Indel.
Coding change: c.3280-1_3280delinsTT on transcript NM_000443.4 (MANE Select); the canonical splice acceptor site of the intron before coding-DNA position 3280 through coding-DNA position 3280, GC replaced by TT.
Molecular consequence: splice acceptor variant. On other transcripts: missense variant (1).
Genome position (GRCh38, 1-based): chr7:87,406,494-87,406,495, GC replaced by AA on the plus strand (GC replaced by TT on the coding strand, the reverse complement: ABCB4 is on the minus strand). VCF-style: chr7-87406494-GC-AA. GRCh37 (hg19) VCF-style: chr7-87035810-GC-AA.
Other names: c.3300_3301delinsTT, p.Gln1100_Leu1101delinsHisPhe (NM_018849.3); c.3139-1_3139delinsTT (NM_018850.3).
Identifiers: ClinVar variation 3647366 (VCV003647366.2).

ClinVar aggregate classification (germline): Likely pathogenic (1 of 4 stars; one submission).

Submission:

Labcorp Genetics (formerly Invitae), Labcorp
Classification: Likely pathogenic. Last evaluated: 2024-03-23. Review status: criteria provided, single submitter. Criteria: Invitae Variant Classification Sherloc (09022015). Collection method: clinical testing. Allele origin: germline.
Comment: This variant results in the deletion of part of exon 26 (c.3280-1_3280delinsTT) of the ABCB4 gene. It is expected to disrupt RNA splicing. Variants that disrupt the donor or acceptor splice site typically lead to a loss of protein function (PMID: 16199547), and loss-of-function variants in ABCB4 are known to be pathogenic (PMID: 17726488, 25755532). Information on the frequency of this variant in the gnomAD database is not available, as this variant may be reported differently in the database. This variant has not been reported in the literature in individuals affected with ABCB4-related conditions. In summary, the currently available evidence indicates that the variant is pathogenic, but additional data are needed to prove that conclusively. Therefore, this variant has been classified as Likely Pathogenic.

Literature cited by the submitters: PubMed 16199547; PubMed 17726488; PubMed 25755532.